The following is an entry in ClinVar:

NM_001904.4(CTNNB1):c.284G>A (p.Arg95Gln)

Genes: CTNNB1 (catenin beta 1; plus strand), LOC126806658 (BRD4-independent group 4 enhancer GRCh37_chr3:41265899-41267098; plus strand). Cytogenetic location: 3p22.1.
Variant type: single nucleotide variant.
Coding change: c.284G>A on transcript NM_001904.4 (MANE Select); coding-DNA position 284, G replaced by A.
Protein change: p.Arg95Gln; replaces arginine 95 with glutamine.
Molecular consequence: missense variant.
Genome position (GRCh38, 1-based): chr3:41,224,996, G>A. VCF-style: chr3-41224996-G-A. GRCh37 (hg19) VCF-style: chr3-41266487-G-A.
Other names: c.284G>A, p.Arg95Gln (NM_001098209.2, NM_001098210.2); c.263G>A, p.Arg88Gln (NM_001330729.2); short protein forms R88Q, R95Q.
Identifiers: ClinVar variation 3644167 (VCV003644167.3).

ClinVar aggregate classification (germline): Uncertain significance. Review status: criteria provided, multiple submitters, no conflicts (2 of 4 stars). 2 submissions from 2 submitters: Uncertain significance (2). Last evaluated 2024-03-02.

gnomAD v4.1: 2 of 1,614,030 alleles (0.00012%); highest among the groups gnomAD compares: Non-Finnish European, 0.000085%; no homozygotes.

Submissions (2):

Labcorp Genetics (formerly Invitae), Labcorp
Classification: Uncertain significance. Last evaluated: 2024-03-02. Review status: criteria provided, single submitter. Criteria: Invitae Variant Classification Sherloc (09022015). Collection method: clinical testing. Allele origin: germline.
Comment: This sequence change replaces arginine, which is basic and polar, with glutamine, which is neutral and polar, at codon 95 of the CTNNB1 protein (p.Arg95Gln). This variant is present in population databases (no rsID available, gnomAD 0.004%). This variant has not been reported in the literature in individuals affected with CTNNB1-related conditions. Advanced modeling of protein sequence and biophysical properties (such as structural, functional, and spatial information, amino acid conservation, physicochemical variation, residue mobility, and thermodynamic stability) performed at Invitae indicates that this missense variant is not expected to disrupt CTNNB1 protein function with a negative predictive value of 80%. In summary, the available evidence is currently insufficient to determine the role of this variant in disease. Therefore, it has been classified as a Variant of Uncertain Significance.

Blueprint Genetics
Classification: Uncertain significance. Last evaluated: 2018-12-22. Review status: criteria provided, single submitter. Criteria: ACMG Guidelines, 2015. Collection method: clinical testing. Allele origin: germline.